The following is an entry in ClinVar:

ClinVar aggregate classification (germline): Conflicting classifications of pathogenicity. Review status: criteria provided, conflicting classifications (1 of 4 stars). 5 submissions from 4 submitters: Uncertain significance (3); Likely benign (2). Last evaluated 2026-08-25.

Conditions:
POMC-related disorder. Also called: POMC-related disorders; POMC-related condition.
Obesity due to pro-opiomelanocortin deficiency. Also called: PROOPIOMELANOCORTIN DEFICIENCY; Obesity, adrenal insufficiency, and red hair due to POMC deficiency; OBESITY, EARLY-ONSET, WITH ADRENAL INSUFFICIENCY AND RED HAIR. Identifiers: Orphanet 71526, MedGen C1857854, MONDO:0012335, OMIM 609734.
Obesity. Also called: Obesity disorder. Identifiers: Orphanet 71529, MedGen C0028754, MeSH D009765, MONDO:0011122, HP:0001513.

Allele frequency attached by ClinVar (database versions not stated): 1000 Genomes Project 30x 0.00031; 1000 Genomes Project 0.00040; ExAC 0.00080; gnomAD exomes 0.00085 and 0.00174; TOPMed 0.00091; gnomAD 0.00092 and 0.00096; ESP Exome Variant Server 0.00131.
gnomAD v4.1: 2,670 of 1,613,272 alleles (0.17%); highest among the groups gnomAD compares: Non-Finnish European, 0.21%; 7 homozygotes.

Submissions (5):

PreventionGenetics, part of Exact Sciences
Classification: Uncertain significance for POMC-related condition. Last evaluated: 2026-08-25. Review status: criteria provided, single submitter. Criteria: ACMG Guidelines, 2015. Collection method: clinical testing. Allele origin: germline.
Comment: The POMC c.662A>G variant is predicted to result in the amino acid substitution p.Tyr221Cys. This variant has been reported in the heterozygous state in several individuals with severe early-onset obesity (Lee et al. 2006. PubMed ID: 16459314; Kleinendorst et al. 2018. PubMed ID: 29970488; Creemers et al. 2008. PubMed ID: 18697863; Dash et al. 2010. PubMed ID: 20349035). This variant segregated with obesity among five two-generation families; however, it was also detected in a control subject (Lee et al. 2006. PubMed ID: 16459314). Functional analysis in vitro indicated modest changes to protein structure and cell signaling properties (Lee et al. 2006. PubMed ID: 16459314). Another in vitro functional study showed suggestive evidence of loss of function (Table 3 and Supplemental Data Set, Shah et al. 2023. PubMed ID: 36864747). This variant is reported in 0.16% of alleles in individuals of European (Non-Finnish) descent in gnomAD. Although we suspect that this variant may be pathogenic, at this time its clinical significance remains uncertain due to absence of conclusive genetic and functional evidence.

CeGaT Center for Human Genetics Tuebingen
Classification: Likely benign. Last evaluated: 2026-02-01. Review status: criteria provided, single submitter. Criteria: CeGaT Center For Human Genetics Tuebingen Variant Classification Criteria Version 2. Collection method: clinical testing. Allele origin: germline. Affected: yes. Observed: 2 variant alleles.
Comment: POMC: PP3, BS2

GeneDx
Classification: Uncertain significance. Last evaluated: 2025-04-17. Review status: criteria provided, single submitter. Criteria: GeneDx Variant Classification Process June 2021. Collection method: clinical testing. Allele origin: germline. Affected: yes.
Comment: Reported previously in published literature, sometimes using alternate nomenclature (Y5C), in association with obesity (Lee et al., 2006; Biebermann et al., 2006; Creemers et al., 2008; Dash et al., 2010; Nordang et al., 2017; Kleinendorst et al., 2018); Seen in multiple family members with obesity from several unrelated families in published literature, but some family members with obesity did not harbor this variant (Lee et al., 2006; Biebermann et al., 2006; Dash et al., 2010); Published functional studies suggest this variant is associated with altered three-dimensional structure of the beta-MSH peptide, reduced binding to MC4R, and decreased generation of cAMP (Lee et al., 2006); In silico analysis, which includes protein predictors and evolutionary conservation, supports a deleterious effect; This variant is associated with the following publications: (PMID: 16459314, 18091355, 20349035, 18840502, 18697863, 28377240, 29970488, 16459315, 31216558)

Illumina Laboratory Services, Illumina
Classification: Likely benign for Obesity due to pro-opiomelanocortin deficiency. Last evaluated: 2017-04-27. Review status: criteria provided, single submitter. Criteria: ICSL Variant Classification Criteria 13 December 2019. Collection method: clinical testing. Allele origin: germline.
Comment: This variant was observed as part of a predisposition screen in an ostensibly healthy population. A literature search was performed for the gene, cDNA change, and amino acid change (where applicable). No publications were found based on this search. Allele frequency data from public databases allowed determination this variant is unlikely to cause disease. Therefore, this variant is classified as likely benign.

Illumina Laboratory Services, Illumina
Classification: Uncertain significance for Inherited obesity. Last evaluated: 2017-04-27. Review status: criteria provided, single submitter. Criteria: ICSL Variant Classification Criteria 13 December 2019. Collection method: clinical testing. Allele origin: germline.
Comment: This variant was observed as part of a predisposition screen in an ostensibly healthy population. A literature search was performed for the gene, cDNA change, and amino acid change (where applicable). Publications were found based on this search. However, the evidence from the literature, in combination with allele frequency data from public databases where available, was not sufficient to rule this variant in or out of causing disease. Therefore, this variant is classified as a variant of unknown significance.

Literature cited by the submitters: PubMed 16459314 (cited by Illumina Laboratory Services, Illumina); PubMed 18697863 (cited by Illumina Laboratory Services, Illumina); PubMed 20349035 (cited by Illumina Laboratory Services, Illumina).

NM_000939.4(POMC):c.662A>G (p.Tyr221Cys)

Gene: POMC (proopiomelanocortin; minus strand). Cytogenetic location: 2p23.3.
Variant type: single nucleotide variant.
Coding change: c.662A>G on transcript NM_000939.4 (MANE Select); coding-DNA position 662, A replaced by G.
Protein change: p.Tyr221Cys; replaces tyrosine 221 with cysteine.
Molecular consequence: missense variant.
Genome position (GRCh38, 1-based): chr2:25,161,223, T>C on the plus strand (A>G on the coding strand, the complement: POMC is on the minus strand). VCF-style: chr2-25161223-T-C. GRCh37 (hg19) VCF-style: chr2-25384092-T-C.
Other names: c.662A>G (NM_000939.3); c.662A>G, p.Tyr221Cys (NM_001035256.3, NM_001319204.2, NM_001319205.2); short protein forms Y221C.
Identifiers: ClinVar variation 898576 (VCV000898576.23), dbSNP rs149540566, ClinGen allele CA1555242.